The following is an entry in ClinVar:

NM_005883.3(APC2):c.4677G>A (p.Pro1559=)

Gene: APC2 (APC regulator of Wnt signaling pathway 2; plus strand). Cytogenetic location: 19p13.3.
Variant type: single nucleotide variant.
Coding change: c.4677G>A on transcript NM_005883.3 (MANE Select); coding-DNA position 4677, G replaced by A.
Protein change: p.Pro1559=; no amino-acid change (proline 1559 retained).
Molecular consequence: synonymous variant.
Genome position (GRCh38, 1-based): chr19:1,467,978, G>A. VCF-style: chr19-1467978-G-A. GRCh37 (hg19) VCF-style: chr19-1467977-G-A.
Other names: c.4674G>A, p.Pro1558= (NM_001351273.1).
Identifiers: ClinVar variation 713385 (VCV000713385.10), dbSNP rs369651604, ClinGen allele CA9045890.

ClinVar aggregate classification (germline): Likely benign. Review status: criteria provided, multiple submitters, no conflicts (2 of 4 stars). 3 submissions from 3 submitters: Likely benign (2). 1 of the submissions does not count toward it. Last evaluated 2026-05-01.

Conditions:
APC2-related disorder. Also called: APC2-Related Disorders; APC2-related condition.

Allele frequency attached by ClinVar (database versions not stated): gnomAD exomes 0.00014 and 0.00020; ExAC 0.00019; gnomAD 0.00024 and 0.00025; ESP Exome Variant Server 0.00026; TOPMed 0.00027.
gnomAD v4.1: 268 of 1,577,848 alleles (0.017%); highest among the groups gnomAD compares: Middle Eastern, 0.22%; 1 homozygote.

Submissions (3):

CeGaT Center for Human Genetics Tuebingen
Classification: Likely benign. Last evaluated: 2026-05-01. Review status: criteria provided, single submitter. Criteria: CeGaT Center For Human Genetics Tuebingen Variant Classification Criteria Version 2. Collection method: clinical testing. Allele origin: germline. Affected: yes. Observed: 1 variant allele.
Comment: APC2: BP4, BP7

Labcorp Genetics (formerly Invitae), Labcorp
Classification: Likely benign. Last evaluated: 2025-09-24. Review status: criteria provided, single submitter. Criteria: Invitae Variant Classification Sherloc (09022015). Collection method: clinical testing. Allele origin: germline.

PreventionGenetics, part of Exact Sciences
Classification: Likely benign for APC2-related condition. Last evaluated: 2019-03-15. Review status: no assertion criteria provided. Collection method: clinical testing. Allele origin: germline. Not counted in ClinVar's aggregate classification.
Comment: This variant is classified as likely benign based on ACMG/AMP sequence variant interpretation guidelines (Richards et al. 2015 PMID: 25741868, with internal and published modifications).